The following is an entry in ClinVar:

ClinVar aggregate classification (germline): Uncertain significance (1 of 4 stars; one submission).

gnomAD v4.1: 3 of 1,559,714 alleles (0.00019%); highest among the groups gnomAD compares: Non-Finnish European, 0.00026%; no homozygotes.

Submission:

GeneDx
Classification: Uncertain significance. Last evaluated: 2025-07-29. Review status: criteria provided, single submitter. Criteria: GeneDx Variant Classification Process June 2021. Collection method: clinical testing. Allele origin: germline. Affected: yes.
Comment: Has not been previously published as pathogenic or benign to our knowledge; Not observed at significant frequency in large population cohorts (gnomAD); In silico analysis suggests that this variant does not alter splicing

NM_000501.4(ELN):c.1859-9T>C

Gene: ELN (elastin; plus strand). Cytogenetic location: 7q11.23.
Variant type: single nucleotide variant.
Coding change: c.1859-9T>C on transcript NM_000501.4 (MANE Select); 9 bases into the intron before coding-DNA position 1859, T replaced by C.
Molecular consequence: intron variant.
Genome position (GRCh38, 1-based): chr7:74,063,301, T>C. VCF-style: chr7-74063301-T-C. GRCh37 (hg19) VCF-style: chr7-73477631-T-C.
Other names: c.1874-9T>C (NM_001081754.3); c.1817-9T>C (NM_001081753.3); c.2045-9T>C (NM_001278939.2); c.1877-9T>C (NM_001278915.2); c.1859-9T>C (NM_001278912.2); c.1802-9T>C (NM_001081755.3); c.1715-9T>C (NM_001278916.2); c.1616-9T>C (NM_001278913.2); and 4 more.
Identifiers: ClinVar variation 4690093 (VCV004690093.1).